The following is an entry in ClinVar:

NM_000202.8(IDS):c.429dup (p.Asn144Ter)

Genes: IDS (iduronate 2-sulfatase; minus strand), LOC106050102 (IDS recombination region; plus strand). Cytogenetic location: Xq28.
Variant type: Duplication.
Coding change: c.429dup on transcript NM_000202.8 (MANE Select); coding-DNA position 429, one base duplicated (T; older notation c.429dupT).
Protein change: p.Asn144Ter; replaces asparagine 144 with a stop codon.
Molecular consequence: nonsense. On other transcripts: non-coding transcript variant (1).
Genome position (GRCh38, 1-based): chrX:149,501,027, A duplicated on the plus strand (T on the coding strand, the reverse complement: IDS is on the minus strand). VCF-style (leftmost placement, unchanged base first): chrX-149501026-T-TA. GRCh37 (hg19) VCF-style: chrX-148582557-T-TA.
Other names: c.159dup, p.Asn54Ter (NM_001166550.4); c.429dup, p.Asn144Ter (NM_006123.5); short protein forms N144*, N54*.
Identifiers: ClinVar variation 3255724 (VCV003255724.2).

ClinVar aggregate classification (germline): Pathogenic (1 of 4 stars; one submission).

Conditions:
Mucopolysaccharidosis, MPS-II (MPS2). Also called: Hunter Syndrome; IDURONATE 2-SULFATASE DEFICIENCY; Mucopolysaccharidosis Type II; Mucopolysaccharidosis type 2; Attenuated MPS (subtype; formerly known as mild MPS II); Severe MPS II. Identifiers: Orphanet 580, Orphanet 79388, MedGen C0026705, MONDO:0010674, OMIM 309900.

Submission:

Laboratory of Diagnosis and Therapy of Lysosomal Disorders, University of Padova
Classification: Pathogenic for Mucopolysaccharidosis, MPS-II. Last evaluated: 2024-06-07. Review status: criteria provided, single submitter. Criteria: ACMG Guidelines, 2015. Collection method: literature only. Allele origin: germline. Affected: yes. Observed: 1 variant allele.
Comment: Null variant (PVS1_VeryStrong), Absent from controls (or at low frequency) in gnomAD database (PM2_Moderate), Patient’s phenotype or family history highly specific for the disease (PP4_Strong)

Classification method: ACMG Guidelines [PMID:25741868] with modifications

Literature cited by the submitters: PubMed 22976768.